The following is an entry in ClinVar:

NM_001999.4(FBN2):c.1724-2A>G

Gene: FBN2 (fibrillin 2; minus strand). Cytogenetic location: 5q23.3.
Variant type: single nucleotide variant.
Coding change: c.1724-2A>G on transcript NM_001999.4 (MANE Select); the canonical splice acceptor site of the intron before coding-DNA position 1724, A replaced by G.
Molecular consequence: splice acceptor variant.
Genome position (GRCh38, 1-based): chr5:128,377,879, T>C on the plus strand (A>G on the coding strand, the complement: FBN2 is on the minus strand). VCF-style: chr5-128377879-T-C. GRCh37 (hg19) VCF-style: chr5-127713572-T-C.
Identifiers: ClinVar variation 234704 (VCV000234704.5), dbSNP rs876661172, ClinGen allele CA10577324.

ClinVar aggregate classification (germline): Uncertain significance. Review status: criteria provided, multiple submitters, no conflicts (2 of 4 stars). 2 submissions from 2 submitters: Uncertain significance (2). Last evaluated 2023-06-06.

Conditions:
Congenital contractural arachnodactyly (CCA). Also called: BEALS SYNDROME; Beals-Hecht syndrome; Arthrogryposis, distal, type 9. Identifiers: Orphanet 115, MedGen C0220668, MONDO:0007363, OMIM 121050.

Submissions (2):

Labcorp Genetics (formerly Invitae), Labcorp
Classification: Uncertain significance for Congenital contractural arachnodactyly. Last evaluated: 2023-06-06. Review status: criteria provided, single submitter. Criteria: Invitae Variant Classification Sherloc (09022015). Collection method: clinical testing. Allele origin: germline.
Comment: In summary, the available evidence is currently insufficient to determine the role of this variant in disease. Therefore, it has been classified as a Variant of Uncertain Significance. Algorithms developed to predict the effect of sequence changes on RNA splicing suggest that this variant may disrupt the consensus splice site. ClinVar contains an entry for this variant (Variation ID: 234704). This variant has not been reported in the literature in individuals affected with FBN2-related conditions. This variant is not present in population databases (gnomAD no frequency). This sequence change affects an acceptor splice site in intron 12 of the FBN2 gene. It is expected to disrupt RNA splicing. Variants that disrupt the donor or acceptor splice site typically lead to a loss of protein function (PMID: 16199547), however the current clinical and genetic evidence is not sufficient to establish whether loss-of-function variants in FBN2 cause disease.

GeneDx
Classification: Uncertain significance. Last evaluated: 2017-08-15. Review status: criteria provided, single submitter. Criteria: GeneDx Variant Classification (06012015). Collection method: clinical testing. Allele origin: germline. Affected: yes.
Comment: The c.1724-2 A>G variant has not been published as a pathogenic variant, nor has it been reported as a benign variant to our knowledge. The c.1724-2 A>G variant was not observed in approximately 6,500 individuals of European and African American ancestry in the NHLBI Exome Sequencing Project, indicating it is not a common benign variant in these populations.This variant is predicted to destroy the canonical splice acceptor site in intron 12 and is predicted to cause abnormal gene splicing. This variant is predicted to lead to either an abnormal message that is subject to nonsense-mediated mRNA decay, or to an abnormal protein product if the message is used for protein translation. However, in the absence of functional mRNA studies, the physiological consequence of this variant cannot be precisely determined. In addition, while other splice site variants in the FBN2 gene have been reported in the Human Gene Mutation Database in association with CCA (Stenson et al., 2014), the majority of FBN2 variants in HGMD are missense variants, suggesting haploinsufficiency may not be the primary mechanism for disease in this gene.

Literature cited by the submitters: PubMed 16199547 (cited by Labcorp Genetics (formerly Invitae), Labcorp).